The following is an entry in ClinVar:

NM_001025356.3(ANO6):c.2273C>T (p.Ser758Phe)

Gene: ANO6 (anoctamin 6; plus strand). Cytogenetic location: 12q12.
Variant type: single nucleotide variant.
Coding change: c.2273C>T on transcript NM_001025356.3 (MANE Select); coding-DNA position 2273, C replaced by T.
Protein change: p.Ser758Phe; replaces serine 758 with phenylalanine.
Molecular consequence: missense variant.
Genome position (GRCh38, 1-based): chr12:45,421,126, C>T. VCF-style: chr12-45421126-C-T. GRCh37 (hg19) VCF-style: chr12-45814909-C-T.
Other names: c.2219C>T, p.Ser740Phe (NM_001142678.2); c.2273C>T, p.Ser758Phe (NM_001142679.2); c.2336C>T, p.Ser779Phe (NM_001204803.2); c.2240C>T, p.Ser747Phe (NM_001410973.1); short protein forms S740F, S758F, S747F, S779F.
Identifiers: ClinVar variation 2984575 (VCV002984575.3), dbSNP rs143494717, ClinGen allele CA236405795.
Genomic context (GRCh38, chr12:45,421,126, plus strand): 5'-AATAGGCCATGATCATAGCTTTCACGTCGGACATGATCCCCCGCCTAGTGTACTACTGGT[C>T]CTTCTCCGTCCCTCCCTACGGGGACCACACTTCCTACACCATGGAAGGGTACATCAACAA-3'
Protein context (NP_001020527.2, residues 748-768): DMIPRLVYYW[Ser758Phe]FSVPPYGDHT

ClinVar aggregate classification (germline): Uncertain significance (1 of 4 stars; one submission).

Allele frequency attached by ClinVar (database versions not stated): ESP Exome Variant Server 0.00008.
gnomAD v4.1: 6 of 1,614,186 alleles (0.00037%); highest among the groups gnomAD compares: Non-Finnish European, 0.00051%; no homozygotes.

Submission:

Labcorp Genetics (formerly Invitae), Labcorp
Classification: Uncertain significance. Last evaluated: 2024-01-26. Review status: criteria provided, single submitter. Criteria: Invitae Variant Classification Sherloc (09022015). Collection method: clinical testing. Allele origin: germline.
Comment: This sequence change replaces serine, which is neutral and polar, with phenylalanine, which is neutral and non-polar, at codon 758 of the ANO6 protein (p.Ser758Phe). This variant is present in population databases (rs143494717, gnomAD 0.002%). This variant has not been reported in the literature in individuals affected with ANO6-related conditions. Advanced modeling of protein sequence and biophysical properties (such as structural, functional, and spatial information, amino acid conservation, physicochemical variation, residue mobility, and thermodynamic stability) performed at Invitae indicates that this missense variant is not expected to disrupt ANO6 protein function with a negative predictive value of 80%. In summary, the available evidence is currently insufficient to determine the role of this variant in disease. Therefore, it has been classified as a Variant of Uncertain Significance.